The following is an entry in ClinVar:

NM_007194.4(CHEK2):c.1568G>T (p.Arg523Leu)

Gene: CHEK2 (checkpoint kinase 2; minus strand). Cytogenetic location: 22q12.1.
Variant type: single nucleotide variant.
Coding change: c.1568G>T on transcript NM_007194.4 (MANE Select); coding-DNA position 1568, G replaced by T.
Protein change: p.Arg523Leu; replaces arginine 523 with leucine.
Molecular consequence: missense variant.
Genome position (GRCh38, 1-based): chr22:28,687,961, C>A on the plus strand (G>T on the coding strand, the complement: CHEK2 is on the minus strand). VCF-style: chr22-28687961-C-A. GRCh37 (hg19) VCF-style: chr22-29083949-C-A.
Other names: c.1697G>T, p.Arg566Leu (NM_001005735.3); c.905G>T, p.Arg302Leu (NM_001257387.3); c.1367G>T, p.Arg456Leu (NM_001349956.3); c.1481G>T, p.Arg494Leu (NM_145862.3); short protein forms R302L, R566L, R456L, R494L, R523L.
Identifiers: ClinVar variation 819537 (VCV000819537.9), dbSNP rs948928965, ClinGen allele CA322999593.
Genomic context (GRCh38, chr22:28,687,961, plus strand): 5'-AACACAGCAGCACACACAGCTGGGCGCTTTGTGGTCTCGGCACCCTCGGCTTCCCCTTCA[C>A]GGGGCCGCTTTCGACTAGTAGAAGGCTGAAAATAAAGGAAAATGGAGAAATGTTCAAAAG-3'
Protein context (NP_009125.1, residues 513-533): AQPSTSRKRP[Arg523Leu]EGEAEGAETT

ClinVar aggregate classification (germline): Conflicting classifications of pathogenicity. Review status: criteria provided, conflicting classifications (1 of 4 stars). 2 submissions from 2 submitters: Uncertain significance (1); Likely benign (1). Last evaluated 2025-10-06.

Conditions:
Familial cancer of breast. Also called: BREAST CANCER, FAMILIAL; Hereditary breast cancer; hereditary breast carcinoma. Identifiers: Orphanet 227535, MedGen C0346153, MONDO:0016419, OMIM 114480. Disease mechanism: loss of function.
Hereditary cancer-predisposing syndrome. Also called: Neoplastic Syndromes, Hereditary; Tumor predisposition; Hereditary Cancer Syndrome; Hereditary neoplastic syndrome. Identifiers: Orphanet 140162, MedGen C0027672, MeSH D009386, MONDO:0015356.

Allele frequency attached by ClinVar (database versions not stated): TOPMed 0.00001.

Submissions (2):

Labcorp Genetics (formerly Invitae), Labcorp
Classification: Uncertain significance for Familial cancer of breast. Last evaluated: 2025-10-06. Review status: criteria provided, single submitter. Criteria: Invitae Variant Classification Sherloc (09022015). Collection method: clinical testing. Allele origin: germline.
Comment: This sequence change replaces arginine, which is basic and polar, with leucine, which is neutral and non-polar, at codon 523 of the CHEK2 protein (p.Arg523Leu). This variant is not present in population databases (gnomAD no frequency). This variant has not been reported in the literature in individuals affected with CHEK2-related conditions. ClinVar contains an entry for this variant (Variation ID: 819537). An algorithm developed to predict the effect of missense changes on protein structure and function outputs the following: PolyPhen-2: "Benign". The leucine amino acid residue is found in multiple mammalian species, which suggests that this missense change does not adversely affect protein function. In summary, the available evidence is currently insufficient to determine the role of this variant in disease. Therefore, it has been classified as a Variant of Uncertain Significance.

Ambry Genetics
Classification: Likely benign for Hereditary cancer-predisposing syndrome. Last evaluated: 2019-12-16. Review status: criteria provided, single submitter. Criteria: Ambry Variant Classification Scheme 2023. Collection method: clinical testing. Allele origin: germline.